The following is an entry in ClinVar:

ClinVar aggregate classification (germline): Conflicting classifications of pathogenicity. Review status: criteria provided, conflicting classifications (1 of 4 stars). 13 submissions from 13 submitters: Uncertain significance (7); Likely benign (3). 3 of the submissions do not count toward it. Last evaluated 2026-06-09.

Conditions:
Hereditary breast ovarian cancer syndrome. Also called: Hereditary breast and ovarian cancer syndrome; Hereditary breast and/or ovarian cancer syndrome; BRCA1- and BRCA2-Associated Hereditary Breast and Ovarian Cancer; Breast and ovarian cancer; Hereditary breast and ovarian cancer syndrome (HBOC); Hereditary breast and ovarian cancer. Identifiers: Orphanet 145, MedGen C0677776, MeSH D061325, MONDO:0003582. Disease mechanism: loss of function.
Fanconi anemia complementation group D1. Also called: BRCA2-Related Fanconi Anemia. Identifiers: Orphanet 319462, MedGen C1838457, MONDO:0011584, OMIM 605724.
BRCA2-related disorder. Also called: BRCA2-related condition; BRCA2-related disorders. Identifiers: MedGen CN239275.
Hereditary cancer-predisposing syndrome. Also called: Neoplastic Syndromes, Hereditary; Hereditary neoplastic syndrome; Hereditary Cancer Syndrome; Tumor predisposition. Identifiers: Orphanet 140162, MedGen C0027672, MeSH D009386, MONDO:0015356.
Breast-ovarian cancer, familial, susceptibility to, 2 (BROVCA2). Also called: BRCA2 Hereditary Breast and Ovarian Cancer. Identifiers: Orphanet 145, MedGen C2675520, MONDO:0012933, OMIM 612555. Disease mechanism: loss of function.

Allele frequency attached by ClinVar (database versions not stated): gnomAD exomes below 0.00001 and 0.00001; ExAC 0.00001; gnomAD 0.00001; 1000 Genomes Project 30x 0.00016; 1000 Genomes Project 0.00020.
gnomAD v4.1: 5 of 1,599,362 alleles (0.00031%); highest among the groups gnomAD compares: East Asian, 0.0067%; no homozygotes.

Submissions (13):

PreventionGenetics, part of Exact Sciences
Classification: Uncertain significance for BRCA2-related condition. Last evaluated: 2026-06-09. Review status: criteria provided, single submitter. Criteria: ACMG Guidelines, 2015. Collection method: clinical testing. Allele origin: germline.
Comment: The BRCA2 c.3330A>C variant is predicted to result in the amino acid substitution p.Glu1110Asp. To our knowledge, this variant has not been reported in the literature. This variant is reported in 0.015% of alleles in individuals of East Asian descent in gnomAD and has conflicting interpretations in ClinVar ranging from likely benign to uncertain (Variation ID: 252827). Although we suspect that this variant may be benign, at this time, the clinical significance of this variant is uncertain due to the absence of conclusive functional and genetic evidence.

Labcorp Genetics (formerly Invitae), Labcorp
Classification: Likely benign for Hereditary breast ovarian cancer syndrome. Last evaluated: 2026-01-31. Review status: criteria provided, single submitter. Criteria: Invitae Variant Classification Sherloc (09022015). Collection method: clinical testing. Allele origin: germline.

Molecular Pathology, Peter Maccallum Cancer Centre
Classification: Likely benign for Breast-ovarian cancer, familial, susceptibility to, 2. Last evaluated: 2024-05-20. Review status: criteria provided, single submitter. Criteria: ACMG Guidelines, 2015. Collection method: clinical testing. Allele origin: germline. Inheritance: Autosomal dominant inheritance.

Ambry Genetics
Classification: Uncertain significance for Hereditary cancer-predisposing syndrome. Last evaluated: 2024-03-25. Review status: criteria provided, single submitter. Criteria: Ambry Variant Classification Scheme 2023. Collection method: clinical testing. Allele origin: germline.
Comment: The p.E1110D variant (also known as c.3330A>C), located in coding exon 10 of the BRCA2 gene, results from an A to C substitution at nucleotide position 3330. The glutamic acid at codon 1110 is replaced by aspartic acid, an amino acid with highly similar properties. This amino acid position is highly conserved in available vertebrate species. In addition, this alteration is predicted to be tolerated by in silico analysis. Since supporting evidence is limited at this time, the clinical significance of this alteration remains unclear.

Quest Diagnostics Nichols Institute San Juan Capistrano
Classification: Uncertain significance. Last evaluated: 2024-03-25. Review status: criteria provided, single submitter. Criteria: Quest Diagnostics criteria. Collection method: clinical testing. Allele origin: unknown.
Comment: The BRCA2 c.3330A>C (p.Glu1110Asp) variant has been observed in several individuals with breast cancer and in reportedly healthy individuals in a breast cancer association study (PMID: 33471991 (2021), see also LOVD), and described to be located in a region of the BRCA2 gene that is tolerant to missense sequence changes (PMID: 31911673 (2020)). In addition, this variant has been reported to co-occur with a BRCA2 pathogenic variant in an individual with ovarian cancer, suggesting this variant was not the primary cause of disease (PMID: 33526602 (2021)). The frequency of this variant in the general population, 0.00015 (3/19484 chromosomes (Genome Aggregation Database)), is uninformative in the assessment of its pathogenicity. Analysis of this variant using bioinformatics tools for the prediction of the effect of amino acid changes on protein structure and function yielded conflicting predictions that this variant is benign or damaging. Based on the available information, we are unable to determine the clinical significance of this variant.

University of Washington Department of Laboratory Medicine, University of Washington
Classification: Likely benign for Hereditary cancer-predisposing syndrome. Last evaluated: 2023-03-23. Review status: criteria provided, single submitter. Criteria: Dines et al. (Genet Med. 2020). Collection method: curation. Allele origin: germline.
Comment: Missense variant in a coldspot region where missense variants are very unlikely to be pathogenic (PMID:31911673).

BRCA2 exon 11 coldspot. Reclassification based on statistical prior probability.

Sema4
Classification: Uncertain significance for Hereditary cancer-predisposing syndrome. Last evaluated: 2022-02-03. Review status: criteria provided, single submitter. Criteria: Sema4 Curation Guidelines. Collection method: curation. Allele origin: germline.
Comment: The BRCA2 c.3330A>C (p.E1110D) variant has been reported in heterozygosity in 3 individuals with ovarian cancer (PMID: 33526602). It has been reported in a large case-control study of breast cancer in 3/60466 cases and 4/53461 controls (PMID: 33471991). This variant was observed in 3/19484 chromosomes in the East Asian population, according to the Genome Aggregation Database (PMID: 32461654). This variant has been reported in ClinVar (Variation ID: 252827). Functional studies have not been performed, and in silico predictions of the variant's effect on protein function are inconclusive. The evidence is insufficient to meet ACMG/AMP criteria for classifying the variant as benign or pathogenic. Thus, the clinical significance of this variant is currently uncertain.

Blueprint Genetics
Classification: Uncertain significance. Last evaluated: 2021-10-28. Review status: criteria provided, single submitter. Criteria: ACMG Guidelines, 2015. Collection method: clinical testing. Allele origin: germline.

Color Diagnostics, LLC DBA Color Health
Classification: Uncertain significance for Hereditary cancer-predisposing syndrome. Last evaluated: 2021-08-31. Review status: criteria provided, single submitter. Criteria: ACMG Guidelines, 2015. Collection method: clinical testing. Allele origin: germline.
Comment: This missense variant replaces glutamic acid with aspartic acid at codon 1110 of the BRCA2 protein. Computational prediction suggests that this variant may not impact protein structure and function (internally defined REVEL score threshold <= 0.5, PMID: 27666373). To our knowledge, functional studies have not been reported for this variant. This variant has been detected in a breast cancer case-control meta-analysis in 3/60463 cases and 4/53457 unaffected individuals (PMID: 33471991; Leiden Open Variation Database DB-ID BRCA2_000593). This variant has been identified in 3/268366 chromosomes in the general population by the Genome Aggregation Database (gnomAD). The available evidence is insufficient to determine the role of this variant in disease conclusively. Therefore, this variant is classified as a Variant of Uncertain Significance.

Women's Health and Genetics/Laboratory Corporation of America, LabCorp
Classification: Uncertain significance. Last evaluated: 2020-09-08. Review status: criteria provided, single submitter. Criteria: LabCorp Variant Classification Summary - May 2015. Collection method: clinical testing. Allele origin: germline.
Comment: Variant summary: BRCA2 c.3330A>C (p.Glu1110Asp) results in a conservative amino acid change in the encoded protein sequence. Three of five in-silico tools predict a damaging effect of the variant on protein function. The variant allele was found at a frequency of 8.4e-06 in 236968 control chromosomes (gnomAD). The available data on variant occurrences in the general population are insufficient to allow any conclusion about variant significance. To our knowledge, no occurrence of c.3330A>C in individuals affected with Hereditary Breast and Ovarian Cancer Syndrome and no experimental evidence demonstrating its impact on protein function have been reported. Four ClinVar submitters (evaluation after 2014) cite the variant as uncertain significance. Based on the evidence outlined above, the variant was classified as uncertain significance.

Sharing Clinical Reports Project (SCRP)
Classification: Uncertain significance for Breast-ovarian cancer, familial 2. Last evaluated: 2010-12-22. Review status: no assertion criteria provided. Collection method: clinical testing. Allele origin: germline. Not counted in ClinVar's aggregate classification.

Genome Diagnostics Laboratory, University Medical Center Utrecht
Classification: Likely benign. Review status: no assertion criteria provided. Collection method: clinical testing. Allele origin: germline. Affected: yes. Study: VKGL Data-share Consensus. Not counted in ClinVar's aggregate classification.

Joint Genome Diagnostic Labs from Nijmegen and Maastricht, Radboudumc and MUMC+
Classification: Likely benign. Review status: no assertion criteria provided. Collection method: clinical testing. Allele origin: germline. Affected: yes. Study: VKGL Data-share Consensus. Not counted in ClinVar's aggregate classification.

Literature cited by the submitters: PubMed 33471991 (cited by 3 submitters); PubMed 31911673 (cited by Quest Diagnostics Nichols Institute San Juan Capistrano); PubMed 33526602 (cited by Quest Diagnostics Nichols Institute San Juan Capistrano and Sema4).

NM_000059.4(BRCA2):c.3330A>C (p.Glu1110Asp)

Gene: BRCA2 (BRCA2 DNA repair associated; plus strand). Cytogenetic location: 13q13.1.
Variant type: single nucleotide variant.
Coding change: c.3330A>C on transcript NM_000059.4 (MANE Select); coding-DNA position 3330, A replaced by C.
Protein change: p.Glu1110Asp; replaces glutamic acid 1110 with aspartic acid.
Molecular consequence: missense variant.
Genome position (GRCh38, 1-based): chr13:32,337,685, A>C. VCF-style: chr13-32337685-A-C. GRCh37 (hg19) VCF-style: chr13-32911822-A-C.
Other names: 3558A>C; short protein forms E1110D.
Identifiers: ClinVar variation 252827 (VCV000252827.33), dbSNP rs369294255, ClinGen allele CA6940690.